The following is an entry in ClinVar:

NM_001042702.5(PJVK):c.766A>C (p.Asn256His)

Gene: PJVK (pejvakin; plus strand). Cytogenetic location: 2q31.2.
Variant type: single nucleotide variant.
Coding change: c.766A>C on transcript NM_001042702.5 (MANE Select); coding-DNA position 766, A replaced by C.
Protein change: p.Asn256His; replaces asparagine 256 with histidine.
Molecular consequence: missense variant. On other transcripts: intron variant (1).
Genome position (GRCh38, 1-based): chr2:178,460,446, A>C. VCF-style: chr2-178460446-A-C. GRCh37 (hg19) VCF-style: chr2-179325173-A-C.
Other names: c.775A>C, p.Asn259His (NM_001353775.2); c.289A>C, p.Asn97His (NM_001353777.1, NM_001353778.2); c.766A>C, p.Asn256His (NM_001369912.1); c.773-536A>C (NM_001353776.2); short protein forms N256H, N97H, N259H.
Identifiers: ClinVar variation 163059 (VCV000163059.7), dbSNP rs727502958, ClinGen allele CA175649.

ClinVar aggregate classification (germline): Uncertain significance. Review status: criteria provided, multiple submitters, no conflicts (2 of 4 stars). 3 submissions from 3 submitters: Uncertain significance (3). Last evaluated 2022-10-03.

Allele frequency attached by ClinVar (database versions not stated): gnomAD exomes below 0.00001; ExAC 0.00001; gnomAD 0.00001 and 0.00003; TOPMed 0.00001.
gnomAD v4.1: 9 of 1,613,048 alleles (0.00056%); highest among the groups gnomAD compares: African/African-American, 0.0013%; 1 homozygote.

Submissions (3):

GeneDx
Classification: Uncertain significance. Last evaluated: 2022-10-03. Review status: criteria provided, single submitter. Criteria: GeneDx Variant Classification Process June 2021. Collection method: clinical testing. Allele origin: germline. Affected: yes.
Comment: Not observed at significant frequency in large population cohorts (gnomAD); In silico analysis supports that this missense variant does not alter protein structure/function; Has not been previously published as pathogenic or benign to our knowledge

Labcorp Genetics (formerly Invitae), Labcorp
Classification: Uncertain significance. Last evaluated: 2022-05-03. Review status: criteria provided, single submitter. Criteria: Invitae Variant Classification Sherloc (09022015). Collection method: clinical testing. Allele origin: germline.
Comment: This sequence change replaces asparagine, which is neutral and polar, with histidine, which is basic and polar, at codon 256 of the DFNB59 protein (p.Asn256His). This variant is present in population databases (rs727502958, gnomAD 0.004%). This variant has not been reported in the literature in individuals affected with DFNB59-related conditions. ClinVar contains an entry for this variant (Variation ID: 163059). Algorithms developed to predict the effect of missense changes on protein structure and function are either unavailable or do not agree on the potential impact of this missense change (SIFT: "Deleterious"; PolyPhen-2: "Possibly Damaging"; Align-GVGD: "Class C0"). In summary, the available evidence is currently insufficient to determine the role of this variant in disease. Therefore, it has been classified as a Variant of Uncertain Significance.

Laboratory for Molecular Medicine, Mass General Brigham Personalized Medicine
Classification: Uncertain significance. Last evaluated: 2013-07-31. Review status: criteria provided, single submitter. Criteria: LMM Criteria. Collection method: clinical testing. Allele origin: germline. Observed: 1 variant allele.
Comment: The Asn256His variant in DFNB59 has not been previously reported in individuals with hearing loss or observed in large population studies. Computational analyse s (biochemical amino acid properties, conservation, AlignGVGD, PolyPhen2, and SI FT) do not provide strong support for or against an impact to the protein. In su mmary, additional data is needed to determine the clinical significance of this variant.